The following is an entry in ClinVar:

ClinVar aggregate classification (germline): Likely benign (1 of 4 stars; one submission).

Allele frequency attached by ClinVar (database versions not stated): TOPMed 0.00754; 1000 Genomes Project 0.00459; 1000 Genomes Project 30x 0.00547.

Submission:

GeneDx
Classification: Likely benign. Last evaluated: 2018-06-12. Review status: criteria provided, single submitter. Criteria: GeneDx Variant Classification (06012015). Collection method: clinical testing. Allele origin: germline. Affected: yes.
Comment: This variant is considered likely benign or benign based on one or more of the following criteria: it is a conservative change, it occurs at a poorly conserved position in the protein, it is predicted to be benign by multiple in silico algorithms, and/or has population frequency not consistent with disease.

NM_002691.3(POLD1):c.-292C>G

Genes: POLD1 (DNA polymerase delta 1, catalytic subunit; plus strand), LOC130064982 (ATAC-STARR-seq lymphoblastoid silent region 10959; plus strand). Cytogenetic location: 19q13.33.
Variant type: single nucleotide variant.
Coding change: c.-292C>G on transcript NM_002691.3; 292 bases upstream of the start codon, C replaced by G.
Genome position (GRCh38, 1-based): chr19:50,384,100, C>G. VCF-style: chr19-50384100-C-G. GRCh37 (hg19) VCF-style: chr19-50887357-C-G.
Identifiers: ClinVar variation 670616 (VCV000670616.3), dbSNP rs3219283, ClinGen allele CA309605906.